The following is an entry in ClinVar:

NM_001845.6(COL4A1):c.1727C>T (p.Pro576Leu)

Gene: COL4A1 (collagen type IV alpha 1 chain; minus strand). Cytogenetic location: 13q34.
Variant type: single nucleotide variant.
Coding change: c.1727C>T on transcript NM_001845.6 (MANE Select); coding-DNA position 1727, C replaced by T.
Protein change: p.Pro576Leu; replaces proline 576 with leucine.
Molecular consequence: missense variant.
Genome position (GRCh38, 1-based): chr13:110,187,139, G>A on the plus strand (C>T on the coding strand, the complement: COL4A1 is on the minus strand). VCF-style: chr13-110187139-G-A. GRCh37 (hg19) VCF-style: chr13-110839486-G-A.
Other names: c.1727C>T (NM_001845.4); short protein forms P576L.
Identifiers: ClinVar variation 2075088 (VCV002075088.5), dbSNP rs150866172, ClinGen allele CA7047851.

ClinVar aggregate classification (germline): Uncertain significance. Review status: criteria provided, multiple submitters, no conflicts (2 of 4 stars). 2 submissions from 2 submitters: Uncertain significance (2). Last evaluated 2026-03-29.

Allele frequency attached by ClinVar (database versions not stated): ExAC 0.00007; gnomAD 0.00001; TOPMed 0.00001; gnomAD exomes 0.00002; ESP Exome Variant Server 0.00008.
gnomAD v4.1: 29 of 1,613,830 alleles (0.0018%); highest among the groups gnomAD compares: South Asian, 0.0066%; no homozygotes.

Submissions (2):

GeneDx
Classification: Uncertain significance. Last evaluated: 2026-03-29. Review status: criteria provided, single submitter. Criteria: GeneDx Variant Classification Process June 2021. Collection method: clinical testing. Allele origin: germline.
Comment: In silico analysis supports that this missense variant has a deleterious effect on protein structure/function; Has not been previously published as pathogenic or benign to our knowledge

Labcorp Genetics (formerly Invitae), Labcorp
Classification: Uncertain significance. Last evaluated: 2025-12-29. Review status: criteria provided, single submitter. Criteria: Invitae Variant Classification Sherloc (09022015). Collection method: clinical testing. Allele origin: germline.
Comment: This sequence change replaces proline, which is neutral and non-polar, with leucine, which is neutral and non-polar, at codon 576 of the COL4A1 protein (p.Pro576Leu). This variant is present in population databases (rs150866172, gnomAD 0.007%). This variant has not been reported in the literature in individuals affected with COL4A1-related conditions. ClinVar contains an entry for this variant (Variation ID: 2075088). An algorithm developed to predict the effect of missense changes on protein structure and function (PolyPhen-2) suggests that this variant is likely to be tolerated. In summary, the available evidence is currently insufficient to determine the role of this variant in disease. Therefore, it has been classified as a Variant of Uncertain Significance.